The following is an entry in ClinVar:

ClinVar aggregate classification (germline): Pathogenic/Likely pathogenic. Review status: criteria provided, multiple submitters, no conflicts (2 of 4 stars). 4 submissions from 4 submitters: Pathogenic (2); Likely pathogenic (2). Last evaluated 2025-06-16.

Submissions (4):

ARUP Laboratories, Molecular Genetics and Genomics, ARUP Laboratories
Classification: Likely pathogenic. Last evaluated: 2025-06-16. Review status: criteria provided, single submitter. Criteria: ARUP Molecular Germline Variant Investigation Process 2024. Collection method: clinical testing. Allele origin: germline.
Comment: The SLC4A1 c.1353_1380del; p.Phe451LeufsTer25 variant, to our knowledge, is not reported in the medical literature but is reported in ClinVar (Variation ID: 2690712). This variant is also absent from the Genome Aggregation Database (v2.1.1), indicating it is not a common polymorphism. This variant causes a frameshift by deleting 28 nucleotides, so it is predicted to result in a truncated protein or mRNA subject to nonsense-mediated decay. Based on available information, this variant is considered to be likely pathogenic.

Mayo Clinic Laboratories, Mayo Clinic
Classification: Likely pathogenic. Last evaluated: 2025-01-14. Review status: criteria provided, single submitter. Criteria: ACMG Guidelines, 2015. Collection method: clinical testing. Allele origin: germline. Observed: 1 variant allele.
Comment: PM2_supporting, PVS1

Revvity Omics, Revvity
Classification: Pathogenic. Last evaluated: 2024-10-22. Review status: criteria provided, single submitter. Criteria: ACMG Guidelines, 2015. Collection method: clinical testing. Allele origin: germline.

Labcorp Genetics (formerly Invitae), Labcorp
Classification: Pathogenic. Last evaluated: 2023-07-10. Review status: criteria provided, single submitter. Criteria: Invitae Variant Classification Sherloc (09022015). Collection method: clinical testing. Allele origin: germline.
Comment: For these reasons, this variant has been classified as Pathogenic. This variant has not been reported in the literature in individuals affected with SLC4A1-related conditions. This variant is not present in population databases (gnomAD no frequency). This sequence change creates a premature translational stop signal (p.Phe451Leufs*25) in the SLC4A1 gene. It is expected to result in an absent or disrupted protein product. Loss-of-function variants in SLC4A1 are known to be pathogenic (PMID: 8943874, 10926824, 23255290).

Literature cited by the submitters: PubMed 8943874 (cited by Labcorp Genetics (formerly Invitae), Labcorp); PubMed 10926824 (cited by Labcorp Genetics (formerly Invitae), Labcorp); PubMed 23255290 (cited by Labcorp Genetics (formerly Invitae), Labcorp).

NM_000342.4(SLC4A1):c.1353_1380del (p.Phe451fs)

Gene: SLC4A1 (solute carrier family 4 member 1 (Diego blood group); minus strand). Cytogenetic location: 17q21.31.
Variant type: Deletion.
Coding change: c.1353_1380del on transcript NM_000342.4 (MANE Select); coding-DNA positions 1353 to 1380, 28 bases deleted (CGCCCTGCTGGGGGCTCAGCCCCTGCTT).
Protein change: p.Phe451fs; shifts the reading frame from phenylalanine 451.
Molecular consequence: frameshift variant.
Genome position (GRCh38, 1-based): chr17:44,257,710-44,257,737, AAGCAGGGGCTGAGCCCCCAGCAGGGCG deleted on the plus strand (CGCCCTGCTGGGGGCTCAGCCCCTGCTT on the coding strand, the reverse complement: SLC4A1 is on the minus strand); deleting any 28 consecutive bases within chr17:44,257,710-44,257,740 gives the same sequence; the c. name uses the placement nearest the transcript's 3' end. VCF-style (leftmost placement, unchanged base first): chr17-44257709-CAAGCAGGGGCTGAGCCCCCAGCAGGGCG-C. GRCh37 (hg19) VCF-style: chr17-42335077-CAAGCAGGGGCTGAGCCCCCAGCAGGGCG-C.
Other names: p.Phe451Leufs*25; short protein forms F451fs.
Identifiers: ClinVar variation 2690712 (VCV002690712.7), dbSNP rs2509966036, ClinGen allele CA2697559943.